The following is an entry in ClinVar:

NM_173660.5(DOK7):c.394C>A (p.His132Asn)

Gene: DOK7 (docking protein 7; plus strand). Cytogenetic location: 4p16.3.
Variant type: single nucleotide variant.
Coding change: c.394C>A on transcript NM_173660.5 (MANE Select); coding-DNA position 394, C replaced by A.
Protein change: p.His132Asn; replaces histidine 132 with asparagine.
Molecular consequence: missense variant. On other transcripts: intron variant (1).
Genome position (GRCh38, 1-based): chr4:3,476,404, C>A. VCF-style: chr4-3476404-C-A. GRCh37 (hg19) VCF-style: chr4-3478131-C-A.
Other names: c.394C>A, p.His132Asn (NM_001164673.2, NM_001301071.2); c.101-9135C>A (NM_001363811.2); short protein forms H132N.
Identifiers: ClinVar variation 566353 (VCV000566353.9), dbSNP rs755692930, ClinGen allele CA356114236.

ClinVar aggregate classification (germline): Uncertain significance (1 of 4 stars; one submission).

Conditions:
Fetal akinesia deformation sequence 1 (FADS1). Also called: Pena-Shokeir syndrome type I; Fetal akinesia sequence. Identifiers: Orphanet 994, MedGen C1276035, MONDO:0100101, OMIM 208150, HP:0001989.
Congenital myasthenic syndrome 10. Also called: Myasthenia, limb-girdle, familial. Identifiers: Orphanet 590, MedGen C1850792, MONDO:0009690, OMIM 254300.

Submission:

Labcorp Genetics (formerly Invitae), Labcorp
Classification: Uncertain significance for Congenital myasthenic syndrome 10; Fetal akinesia deformation sequence 1. Last evaluated: 2022-05-27. Review status: criteria provided, single submitter. Criteria: Invitae Variant Classification Sherloc (09022015). Collection method: clinical testing. Allele origin: germline.
Comment: In summary, the available evidence is currently insufficient to determine the role of this variant in disease. Therefore, it has been classified as a Variant of Uncertain Significance. Algorithms developed to predict the effect of missense changes on protein structure and function are either unavailable or do not agree on the potential impact of this missense change (SIFT: "Deleterious"; PolyPhen-2: "Probably Damaging"; Align-GVGD: "Class C0"). ClinVar contains an entry for this variant (Variation ID: 566353). This variant has not been reported in the literature in individuals affected with DOK7-related conditions. This variant is not present in population databases (gnomAD no frequency). This sequence change replaces histidine, which is basic and polar, with asparagine, which is neutral and polar, at codon 132 of the DOK7 protein (p.His132Asn).